The following is an entry in ClinVar:

NM_001079872.2(CUL4B):c.2536_2539del (p.Leu846fs)

Gene: CUL4B (cullin 4B; minus strand). Cytogenetic location: Xq24.
Variant type: Deletion.
Coding change: c.2536_2539del on transcript NM_001079872.2 (MANE Select); coding-DNA positions 2536 to 2539, 4 bases deleted (CTTA; older notation c.2536_2539delCTTA).
Protein change: p.Leu846fs; shifts the reading frame from leucine 846.
Molecular consequence: frameshift variant.
Genome position (GRCh38, 1-based): chrX:120,530,155-120,530,158, TAAG deleted on the plus strand (CTTA on the coding strand, the reverse complement: CUL4B is on the minus strand); deleting any 4 consecutive bases within chrX:120,530,155-120,530,159 gives the same sequence; the c. name uses the placement nearest the transcript's 3' end. VCF-style (leftmost placement, unchanged base first): chrX-120530154-CTAAG-C. GRCh37 (hg19) VCF-style: chrX-119664009-CTAAG-C.
Other names: c.2551_2554del, p.Leu851fs (NM_001330624.2); c.2002_2005del, p.Leu668fs (NM_001369145.1); c.2590_2593del, p.Leu864fs (NM_003588.4); c.2590_2593delCTTA (NM_003588.3, NM_003588.4); short protein forms L846fs, L851fs, L864fs, L668fs.
Identifiers: ClinVar variation 817034 (VCV000817034.6), dbSNP rs1602567594, ClinGen allele CA915952331.

ClinVar aggregate classification (germline): Pathogenic (1 of 4 stars; one submission).

Conditions:
CUL4B-related disorder. Also called: CUL4B-related condition.

Submission:

GeneDx
Classification: Pathogenic. Last evaluated: 2024-10-17. Review status: criteria provided, single submitter. Criteria: GeneDx Variant Classification Process June 2021. Collection method: clinical testing. Allele origin: germline. Affected: yes.
Comment: Frameshift variant predicted to result in abnormal protein length as the last 50 amino acid(s) are replaced with 12 different amino acid(s), and other similar variants have been reported in HGMD; Not observed at significant frequency in large population cohorts (gnomAD); This variant is associated with the following publications: (PMID: 25385192)